The following is an entry in ClinVar:

NM_001330700.2(TOP2B):c.2327C>T (p.Ser776Leu)

Gene: TOP2B (DNA topoisomerase II beta; minus strand). Cytogenetic location: 3p24.2.
Variant type: single nucleotide variant.
Coding change: c.2327C>T on transcript NM_001330700.2 (MANE Select); coding-DNA position 2327, C replaced by T.
Protein change: p.Ser776Leu; replaces serine 776 with leucine.
Molecular consequence: missense variant.
Genome position (GRCh38, 1-based): chr3:25,624,701, G>A on the plus strand (C>T on the coding strand, the complement: TOP2B is on the minus strand). VCF-style: chr3-25624701-G-A. GRCh37 (hg19) VCF-style: chr3-25666192-G-A.
Other names: c.2312C>T, p.Ser771Leu (NM_001068.3); short protein forms S771L, S776L.
Identifiers: ClinVar variation 2578936 (VCV002578936.25), dbSNP rs1434014668, ClinGen allele CA351903284.
Genomic context (GRCh38, chr3:25,624,701, plus strand): 5'-AATAATTACAGTTCTCAATTGATTCCAATCTTAATGCTTACTTCTCCATGATGATAAGCC[G>A]ACATCTCAGCAACAGAGCCAGCCAACTGGGCAACTTTTACTTCACGTTTATCATTCCTCT-3'
Protein context (NP_001317629.1, residues 766-786): AQLAGSVAEM[Ser776Leu]AYHHGEQALM

ClinVar aggregate classification (germline): Uncertain significance (1 of 4 stars; one submission).

Allele frequency attached by ClinVar (database versions not stated): gnomAD exomes below 0.00001.
gnomAD v4.1: 3 of 1,613,678 alleles (0.00019%); highest among the groups gnomAD compares: Non-Finnish European, 0.000085%; no homozygotes.

Submission:

CeGaT Center for Human Genetics Tuebingen
Classification: Uncertain significance. Last evaluated: 2023-08-01. Review status: criteria provided, single submitter. Criteria: CeGaT Center For Human Genetics Tuebingen Variant Classification Criteria Version 2. Collection method: clinical testing. Allele origin: germline. Affected: yes. Observed: 1 variant allele.
Comment: TOP2B: PM2, PS2:Supporting